The following is an entry in ClinVar:

ClinVar aggregate classification (germline): Uncertain significance. Review status: criteria provided, multiple submitters, no conflicts (2 of 4 stars). 8 submissions from 8 submitters: Uncertain significance (8). Last evaluated 2025-10-29.

Conditions:
Nijmegen breakage syndrome-like disorder (NBSLD). Also called: MICROCEPHALY AND SPONTANEOUS CHROMOSOME INSTABILITY WITHOUT IMMUNODEFICIENCY; NBS-LIKE DISORDER; RAD50 DEFICIENCY. Identifiers: Orphanet 240760, MedGen C2751318, MONDO:0013118, OMIM 613078.
Breast cancer, susceptibility to. Identifiers: MedGen C3469522. Disease mechanism: gain of function.
Hereditary cancer-predisposing syndrome. Also called: Tumor predisposition; Hereditary Cancer Syndrome; Neoplastic Syndromes, Hereditary; Hereditary neoplastic syndrome. Identifiers: Orphanet 140162, MedGen C0027672, MeSH D009386, MONDO:0015356.

Allele frequency attached by ClinVar (database versions not stated): gnomAD 0.00001 and 0.00002; TOPMed 0.00005; ESP Exome Variant Server 0.00008; gnomAD exomes 0.00009; ExAC 0.00010; 1000 Genomes Project 0.00020; 1000 Genomes Project 30x 0.00031.
gnomAD v4.1: 60 of 1,614,142 alleles (0.0037%); highest among the groups gnomAD compares: Middle Eastern, 0.082%; no homozygotes.

Submissions (8):

Quest Diagnostics Nichols Institute San Juan Capistrano
Classification: Uncertain significance. Last evaluated: 2025-10-29. Review status: criteria provided, single submitter. Criteria: Quest Diagnostics criteria. Collection method: clinical testing. Allele origin: unknown.
Comment: The RAD50 c.3779G>A (p.Arg1260His) variant has been reported in the published literature in individuals with breast and/or ovarian cancer (PMID: 31159747 (2019), 32658311 (2021)). This variant has also been identified in affected and reportedly unaffected individuals in a large-scale breast cancer association study (PMID: 33471991 (2021), see also LOVD). The frequency of this variant in the general population (Genome Aggregation Database) is uninformative in the assessment of its pathogenicity. Analysis of this variant using bioinformatics tools for the prediction of the effect of amino acid changes on protein structure and function yielded predictions that this variant is benign. Based on the available information, we are unable to determine the clinical significance of this variant.

Labcorp Genetics (formerly Invitae), Labcorp
Classification: Uncertain significance for Hereditary cancer-predisposing syndrome. Last evaluated: 2025-10-25. Review status: criteria provided, single submitter. Criteria: Invitae Variant Classification Sherloc (09022015). Collection method: clinical testing. Allele origin: germline.
Comment: This sequence change replaces arginine, which is basic and polar, with histidine, which is basic and polar, at codon 1260 of the RAD50 protein (p.Arg1260His). This variant is present in population databases (rs367683141, gnomAD 0.03%). This missense change has been observed in individual(s) with breast cancer (PMID: 32658311). ClinVar contains an entry for this variant (Variation ID: 142065). Invitae Evidence Modeling of protein sequence and biophysical properties (such as structural, functional, and spatial information, amino acid conservation, physicochemical variation, residue mobility, and thermodynamic stability) indicates that this missense variant is not expected to disrupt RAD50 protein function with a negative predictive value of 80%. In summary, the available evidence is currently insufficient to determine the role of this variant in disease. Therefore, it has been classified as a Variant of Uncertain Significance.

GeneDx
Classification: Uncertain significance. Last evaluated: 2025-02-27. Review status: criteria provided, single submitter. Criteria: GeneDx Variant Classification Process June 2021. Collection method: clinical testing. Allele origin: germline. Affected: yes.
Comment: In silico analysis supports that this missense variant has a deleterious effect on protein structure/function; This variant is associated with the following publications: (PMID: 32658311, 31159747, 33471991)

Ambry Genetics
Classification: Uncertain significance for Hereditary cancer-predisposing syndrome. Last evaluated: 2024-11-19. Review status: criteria provided, single submitter. Criteria: Ambry Variant Classification Scheme 2023. Collection method: clinical testing. Allele origin: germline.
Comment: The p.R1260H variant (also known as c.3779G>A), located in coding exon 25 of the RAD50 gene, results from a G to A substitution at nucleotide position 3779. The arginine at codon 1260 is replaced by histidine, an amino acid with highly similar properties. This amino acid position is highly conserved in available vertebrate species. In addition, the in silico prediction for this alteration is inconclusive. Based on the available evidence, the clinical significance of this variant remains unclear.

Blueprint Genetics
Classification: Uncertain significance. Last evaluated: 2024-10-01. Review status: criteria provided, single submitter. Criteria: ACMG Guidelines, 2015. Collection method: clinical testing. Allele origin: germline.

Fulgent Genetics
Classification: Uncertain significance for Nijmegen breakage syndrome-like disorder. Last evaluated: 2024-06-18. Review status: criteria provided, single submitter. Criteria: ACMG Guidelines, 2015. Collection method: clinical testing. Allele origin: germline.

Baylor Genetics
Classification: Uncertain significance for Nijmegen breakage syndrome-like disorder. Last evaluated: 2024-02-26. Review status: criteria provided, single submitter. Criteria: ACMG Guidelines, 2015. Collection method: clinical testing. Allele origin: unknown.

GeneKor MSA
Classification: Uncertain significance for Hereditary cancer-predisposing syndrome. Last evaluated: 2018-08-01. Review status: criteria provided, single submitter. Criteria: ACMG Guidelines, 2015. Collection method: clinical testing. Allele origin: germline. Affected: yes.

Literature cited by the submitters: PubMed 33471991 (cited by Quest Diagnostics Nichols Institute San Juan Capistrano); PubMed 31159747 (cited by Quest Diagnostics Nichols Institute San Juan Capistrano); PubMed 32658311 (cited by Quest Diagnostics Nichols Institute San Juan Capistrano and Labcorp Genetics (formerly Invitae), Labcorp); PubMed 31874108 (cited by Quest Diagnostics Nichols Institute San Juan Capistrano); PubMed 36206311 (cited by Quest Diagnostics Nichols Institute San Juan Capistrano).

NM_005732.4(RAD50):c.3779G>A (p.Arg1260His)

Genes: RAD50 (RAD50 double strand break repair protein; plus strand), TH2LCRR (T helper type 2 locus control region associated RNA; minus strand). Cytogenetic location: 5q31.1.
Variant type: single nucleotide variant.
Coding change: c.3779G>A on transcript NM_005732.4 (MANE Select); coding-DNA position 3779, G replaced by A.
Protein change: p.Arg1260His; replaces arginine 1260 with histidine.
Molecular consequence: missense variant. On other transcripts: non-coding transcript variant (1).
Genome position (GRCh38, 1-based): chr5:132,642,204, G>A. VCF-style: chr5-132642204-G-A. GRCh37 (hg19) VCF-style: chr5-131977896-G-A.
Other names: short protein forms R1260H.
Identifiers: ClinVar variation 142065 (VCV000142065.25), dbSNP rs367683141, ClinGen allele CA167306.